The following is an entry in ClinVar:

NM_001374736.1(DST):c.17147A>G (p.Gln5716Arg)

Gene: DST (dystonin; minus strand). Cytogenetic location: 6p12.1.
Variant type: single nucleotide variant.
Coding change: c.17147A>G on transcript NM_001374736.1 (MANE Select); coding-DNA position 17147, A replaced by G.
Protein change: p.Gln5716Arg; replaces glutamine 5716 with arginine.
Molecular consequence: missense variant.
Genome position (GRCh38, 1-based): chr6:56,530,095, T>C on the plus strand (A>G on the coding strand, the complement: DST is on the minus strand). VCF-style: chr6-56530095-T-C. GRCh37 (hg19) VCF-style: chr6-56394893-T-C.
Other names: c.10790A>G, p.Gln3597Arg (NM_001144769.5); c.10376A>G, p.Gln3459Arg (NM_001144770.2); c.17147A>G, p.Gln5716Arg (NM_001374722.1); c.16514A>G, p.Gln5505Arg (NM_001374729.1); c.10256A>G, p.Gln3419Arg (NM_001374730.1, NM_001386100.1, NM_183380.4); c.17174A>G, p.Gln5725Arg (NM_001374734.1); c.9278A>G, p.Gln3093Arg (NM_015548.5); short protein forms Q5716R, Q5725R, Q3419R, Q3093R, Q3459R, Q5505R, Q3597R.
Identifiers: ClinVar variation 2095822 (VCV002095822.1), dbSNP rs2152512346, ClinGen allele CA364509401.

ClinVar aggregate classification (germline): Uncertain significance (1 of 4 stars; one submission).

Conditions:
Epidermolysis bullosa simplex 3, localized or generalized intermediate, with BP230 deficiency (EBS3). Also called: Epidermolysis bullosa simplex due to BP230 deficiency; Epidermolysis bullosa simplex, autosomal recessive 2. Identifiers: Orphanet 412181, MedGen C3809470, MONDO:0014180, OMIM 615425.
Hereditary sensory and autonomic neuropathy type 6. Also called: HSAN VI; Neuropathy, hereditary sensory and autonomic, type VI. Identifiers: Orphanet 314381, MedGen C3539003, MONDO:0013839, OMIM 614653.

gnomAD v4.1: 1 of 1,534,954 alleles (0.000065%); highest among the groups gnomAD compares: Non-Finnish European, 0.000088%; no homozygotes.

Submission:

Labcorp Genetics (formerly Invitae), Labcorp
Classification: Uncertain significance for Epidermolysis bullosa simplex 3, localized or generalized intermediate, with BP230 deficiency; Hereditary sensory and autonomic neuropathy type 6. Last evaluated: 2022-02-09. Review status: criteria provided, single submitter. Criteria: Invitae Variant Classification Sherloc (09022015). Collection method: clinical testing. Allele origin: germline.
Comment: The DST gene has multiple clinically relevant transcripts. This variant occurs in alternate transcript NM_015548.4, and corresponds to NM_001723.5:c.*85422A>G in the primary transcript. This sequence change replaces glutamine, which is neutral and polar, with arginine, which is basic and polar, at codon 3093 of the DST protein (p.Gln3093Arg). This variant is not present in population databases (gnomAD no frequency). This variant has not been reported in the literature in individuals affected with DST-related conditions. In summary, the available evidence is currently insufficient to determine the role of this variant in disease. Therefore, it has been classified as a Variant of Uncertain Significance.